The following is an entry in ClinVar:

ClinVar aggregate classification (germline): Uncertain significance (1 of 4 stars; one submission).

Allele frequency attached by ClinVar (database versions not stated): gnomAD exomes below 0.00001; ExAC 0.00001; TOPMed 0.00001; gnomAD 0.00002.

Submission:

Labcorp Genetics (formerly Invitae), Labcorp
Classification: Uncertain significance. Last evaluated: 2022-06-27. Review status: criteria provided, single submitter. Criteria: Invitae Variant Classification Sherloc (09022015). Collection method: clinical testing. Allele origin: germline.
Comment: This sequence change replaces glycine, which is neutral and non-polar, with alanine, which is neutral and non-polar, at codon 41 of the CEP78 protein (p.Gly41Ala). This variant is present in population databases (rs768713389, gnomAD 0.001%). This variant has not been reported in the literature in individuals affected with CEP78-related conditions. ClinVar contains an entry for this variant (Variation ID: 1003040). Algorithms developed to predict the effect of missense changes on protein structure and function are either unavailable or do not agree on the potential impact of this missense change (SIFT: "Tolerated"; PolyPhen-2: "Probably Damaging"; Align-GVGD: "Class C0"). In summary, the available evidence is currently insufficient to determine the role of this variant in disease. Therefore, it has been classified as a Variant of Uncertain Significance.

NM_001330691.3(CEP78):c.122G>C (p.Gly41Ala)

Gene: CEP78 (centrosomal protein 78; plus strand). Cytogenetic location: 9q21.2.
Variant type: single nucleotide variant.
Coding change: c.122G>C on transcript NM_001330691.3 (MANE Select); coding-DNA position 122, G replaced by C.
Protein change: p.Gly41Ala; replaces glycine 41 with alanine.
Molecular consequence: missense variant.
Genome position (GRCh38, 1-based): chr9:78,236,472, G>C. VCF-style: chr9-78236472-G-C. GRCh37 (hg19) VCF-style: chr9-80851388-G-C.
Other names: c.122G>C, p.Gly41Ala (NM_001098802.3, NM_001330693.3, NM_001330694.2 and 4 more transcripts); short protein forms G41A.
Identifiers: ClinVar variation 1003040 (VCV001003040.8), dbSNP rs768713389, ClinGen allele CA5094815.